The following is an entry in ClinVar:

NM_133642.5(LARGE1):c.102C>T (p.Phe34=)

Gene: LARGE1 (LARGE xylosyl- and glucuronyltransferase 1; minus strand). Cytogenetic location: 22q12.3.
Variant type: single nucleotide variant.
Coding change: c.102C>T on transcript NM_133642.5 (MANE Select); coding-DNA position 102, C replaced by T.
Protein change: p.Phe34=; no amino-acid change (phenylalanine 34 retained).
Molecular consequence: synonymous variant.
Genome position (GRCh38, 1-based): chr22:33,761,375, G>A on the plus strand (C>T on the coding strand, the complement: LARGE1 is on the minus strand). VCF-style: chr22-33761375-G-A. GRCh37 (hg19) VCF-style: chr22-34157362-G-A.
Other names: c.102C>T, p.Phe34= (NM_001362949.2, NM_001362951.2, NM_001362953.2 and 7 more transcripts); c.102C>T (NM_004737.5).
Identifiers: ClinVar variation 2845877 (VCV002845877.5), dbSNP rs909034423, ClinGen allele CA323769546.

ClinVar aggregate classification (germline): Likely benign. Review status: criteria provided, single submitter (1 of 4 stars). 2 submissions from 2 submitters: Likely benign (1). 1 of the submissions does not count toward it. Last evaluated 2023-04-12.

Conditions:
LARGE1-related disorder. Also called: LARGE1-related condition.
Muscular dystrophy-dystroglycanopathy type B6 (MDDGB6). Also called: MUSCULAR DYSTROPHY, CONGENITAL, LARGE-RELATED; MUSCULAR DYSTROPHY, CONGENITAL, TYPE 1D; MUSCULAR DYSTROPHY-DYSTROGLYCANOPATHY (CONGENITAL WITH IMPAIRED INTELLECTUAL DEVELOPMENT), TYPE B, 6. Identifiers: MedGen C1837229, MONDO:0012138, OMIM 608840.

Allele frequency attached by ClinVar (database versions not stated): gnomAD exomes below 0.00001; gnomAD 0.00001; TOPMed 0.00002.
gnomAD v4.1: 7 of 1,612,356 alleles (0.00043%); highest among the groups gnomAD compares: African/African-American, 0.004%; no homozygotes.

Submissions (2):

Labcorp Genetics (formerly Invitae), Labcorp
Classification: Likely benign for Muscular dystrophy-dystroglycanopathy type B6. Last evaluated: 2023-04-12. Review status: criteria provided, single submitter. Criteria: Invitae Variant Classification Sherloc (09022015). Collection method: clinical testing. Allele origin: germline.

PreventionGenetics, part of Exact Sciences
Classification: Likely benign for LARGE1-related condition. Last evaluated: 2019-04-01. Review status: no assertion criteria provided. Collection method: clinical testing. Allele origin: germline. Not counted in ClinVar's aggregate classification.
Comment: This variant is classified as likely benign based on ACMG/AMP sequence variant interpretation guidelines (Richards et al. 2015 PMID: 25741868, with internal and published modifications).